The following is an entry in ClinVar:

NM_152617.4(RNF168):c.887C>T (p.Ser296Phe)

Gene: RNF168 (ring finger protein 168; minus strand). Cytogenetic location: 3q29.
Variant type: single nucleotide variant.
Coding change: c.887C>T on transcript NM_152617.4 (MANE Select); coding-DNA position 887, C replaced by T.
Protein change: p.Ser296Phe; replaces serine 296 with phenylalanine.
Molecular consequence: missense variant.
Genome position (GRCh38, 1-based): chr3:196,472,648, G>A on the plus strand (C>T on the coding strand, the complement: RNF168 is on the minus strand). VCF-style: chr3-196472648-G-A. GRCh37 (hg19) VCF-style: chr3-196199519-G-A.
Other names: short protein forms S296F.
Identifiers: ClinVar variation 2173081 (VCV002173081.1), dbSNP rs755116093, ClinGen allele CA355618143.

ClinVar aggregate classification (germline): Uncertain significance (1 of 4 stars; one submission).

gnomAD v4.1: 1 of 1,611,402 alleles (0.000062%); highest among the groups gnomAD compares: Non-Finnish European, 0.000085%; no homozygotes.

Submission:

Labcorp Genetics (formerly Invitae), Labcorp
Classification: Uncertain significance. Last evaluated: 2021-12-30. Review status: criteria provided, single submitter. Criteria: Invitae Variant Classification Sherloc (09022015). Collection method: clinical testing. Allele origin: germline.
Comment: This sequence change replaces serine, which is neutral and polar, with phenylalanine, which is neutral and non-polar, at codon 296 of the RNF168 protein (p.Ser296Phe). This variant is present in population databases (no rsID available, gnomAD 0.0009%). This variant has not been reported in the literature in individuals affected with RNF168-related conditions. Algorithms developed to predict the effect of missense changes on protein structure and function are either unavailable or do not agree on the potential impact of this missense change (SIFT: "Tolerated"; PolyPhen-2: "Possibly Damaging"; Align-GVGD: "Class C0"). In summary, the available evidence is currently insufficient to determine the role of this variant in disease. Therefore, it has been classified as a Variant of Uncertain Significance.